The following is an entry in ClinVar:

NM_201596.3(CACNB2):c.1625G>A (p.Arg542His)

Gene: CACNB2 (calcium voltage-gated channel auxiliary subunit beta 2; plus strand). Cytogenetic location: 10p12.31.
Variant type: single nucleotide variant.
Coding change: c.1625G>A on transcript NM_201596.3 (MANE Select); coding-DNA position 1625, G replaced by A.
Protein change: p.Arg542His; replaces arginine 542 with histidine.
Molecular consequence: missense variant.
Genome position (GRCh38, 1-based): chr10:18,539,366, G>A. VCF-style: chr10-18539366-G-A. GRCh37 (hg19) VCF-style: chr10-18828295-G-A.
Other names: c.1460G>A, p.Arg487His (NM_000724.4); c.1427G>A, p.Arg476His (NM_001167945.2); c.1346G>A, p.Arg449His (NM_001330060.2); c.1481G>A, p.Arg494His (NM_201570.3); c.1541G>A, p.Arg514His (NM_201571.4); c.1469G>A, p.Arg490His (NM_201572.4); c.1463G>A, p.Arg488His (NM_201590.3); c.1511G>A, p.Arg504His (NM_201593.3); and 1 more; short protein forms R487H, R504H, R514H, R518H, R488H, R490H, R449H, R476H.
Identifiers: ClinVar variation 955943 (VCV000955943.40), dbSNP rs571637787, ClinGen allele CA5430112.
Genomic context (GRCh38, chr10:18,539,366, plus strand): 5'-TGGAACCAGTCAAGAAATCCCAGCACCGCTCTTCCTCCTCAGCCCCACACCACAACCATC[G>A]CAGTGGGACAAGTCGCGGCCTCTCCAGGCAAGAGACATTTGACTCGGAAACCCAGGAGAG-3'
Protein context (NP_963890.2, residues 532-552): SSSSAPHHNH[Arg542His]SGTSRGLSRQ

ClinVar aggregate classification (germline): Conflicting classifications of pathogenicity. Review status: criteria provided, conflicting classifications (1 of 4 stars). 3 submissions from 3 submitters: Uncertain significance (2); Benign (1). Last evaluated 2026-07-22.

Conditions:
Cardiovascular phenotype. Identifiers: MedGen CN230736.
Brugada syndrome 4 (BRGDA4). Identifiers: Orphanet 130, MedGen C2678477, MONDO:0012743, OMIM 611876.

Allele frequency attached by ClinVar (database versions not stated): gnomAD 0.00001; ExAC 0.00002; TOPMed 0.00002; gnomAD exomes 0.00003 and 0.00004; 1000 Genomes Project 30x 0.00016; 1000 Genomes Project 0.00020.
gnomAD v4.1: 52 of 1,614,044 alleles (0.0032%); highest among the groups gnomAD compares: Middle Eastern, 0.016%; no homozygotes.

Submissions (3):

Ambry Genetics
Classification: Benign for Cardiovascular phenotype. Last evaluated: 2026-07-22. Review status: criteria provided, single submitter. Criteria: Ambry Variant Classification Scheme 2023. Collection method: clinical testing. Allele origin: germline.

Labcorp Genetics (formerly Invitae), Labcorp
Classification: Uncertain significance for Brugada syndrome 4. Last evaluated: 2025-04-02. Review status: criteria provided, single submitter. Criteria: Invitae Variant Classification Sherloc (09022015). Collection method: clinical testing. Allele origin: germline.
Comment: This sequence change replaces arginine, which is basic and polar, with histidine, which is basic and polar, at codon 488 of the CACNB2 protein (p.Arg488His). This variant is present in population databases (rs571637787, gnomAD 0.02%). This variant has not been reported in the literature in individuals affected with CACNB2-related conditions. ClinVar contains an entry for this variant (Variation ID: 955943). Invitae Evidence Modeling of protein sequence and biophysical properties (such as structural, functional, and spatial information, amino acid conservation, physicochemical variation, residue mobility, and thermodynamic stability) indicates that this missense variant is not expected to disrupt CACNB2 protein function with a negative predictive value of 80%. In summary, the available evidence is currently insufficient to determine the role of this variant in disease. Therefore, it has been classified as a Variant of Uncertain Significance.

CeGaT Center for Human Genetics Tuebingen
Classification: Uncertain significance. Last evaluated: 2023-03-01. Review status: criteria provided, single submitter. Criteria: CeGaT Center For Human Genetics Tuebingen Variant Classification Criteria Version 2. Collection method: clinical testing. Allele origin: germline. Affected: yes. Observed: 1 variant allele.